The following is an entry in ClinVar:

NM_000038.6(APC):c.8121T>C (p.Gly2707=)

Gene: APC (APC regulator of Wnt signaling pathway; plus strand). Cytogenetic location: 5q22.2.
Variant type: single nucleotide variant.
Coding change: c.8121T>C on transcript NM_000038.6 (MANE Select); coding-DNA position 8121, T replaced by C.
Protein change: p.Gly2707=; no amino-acid change (glycine 2707 retained).
Molecular consequence: synonymous variant. On other transcripts: non-coding transcript variant (2).
Genome position (GRCh38, 1-based): chr5:112,843,715, T>C. VCF-style: chr5-112843715-T-C. GRCh37 (hg19) VCF-style: chr5-112179412-T-C.
Other names: c.8121T>C, p.Gly2707= (NM_001127510.3, NM_001354895.2, NM_001407450.1); c.8067T>C, p.Gly2689= (NM_001127511.3); c.8175T>C, p.Gly2725= (NM_001354896.2, NM_001407447.1, NM_001407448.1 and 1 more transcripts); c.8151T>C, p.Gly2717= (NM_001354897.2); c.8046T>C, p.Gly2682= (NM_001354898.2); c.8037T>C, p.Gly2679= (NM_001354899.2); c.7998T>C, p.Gly2666= (NM_001354900.2); c.7944T>C, p.Gly2648= (NM_001354901.2, NM_001407453.1); and 11 more.
Identifiers: ClinVar variation 1762095 (VCV001762095.3), dbSNP rs2149999539, ClinGen allele CA446211184.

ClinVar aggregate classification (germline): Likely benign. Review status: criteria provided, multiple submitters, no conflicts (2 of 4 stars). 2 submissions from 2 submitters: Likely benign (2). Last evaluated 2024-07-29.

Conditions:
Hereditary cancer-predisposing syndrome. Also called: Neoplastic Syndromes, Hereditary; Tumor predisposition; Hereditary Cancer Syndrome; Hereditary neoplastic syndrome. Identifiers: Orphanet 140162, MedGen C0027672, MeSH D009386, MONDO:0015356.
Classic or attenuated familial adenomatous polyposis. Identifiers: MedGen CN372698, MONDO:0021057.

Submissions (2):

All of Us Research Program, National Institutes of Health
Classification: Likely benign for Classic or attenuated familial adenomatous polyposis. Last evaluated: 2024-07-29. Review status: criteria provided, single submitter. Criteria: ACMG Guidelines, 2015. Collection method: clinical testing. Allele origin: germline. Inheritance: Autosomal dominant inheritance. Observed: 1 variant allele, 1 heterozygote.
Comment: This study involves interpretation of variants in research participants for the purpose of population health screening. Participant phenotype was not available at the time of variant classification. Additional details can be found in publication PMID: 35346344, PMCID: PMC8962531

Ambry Genetics
Classification: Likely benign for Hereditary cancer-predisposing syndrome. Last evaluated: 2020-05-29. Review status: criteria provided, single submitter. Criteria: Ambry Variant Classification Scheme 2023. Collection method: clinical testing. Allele origin: germline.